The following is an entry in ClinVar:

NM_001378615.1(CC2D2A):c.2025G>T (p.Glu675Asp)

Genes: CC2D2A (coiled-coil and C2 domain containing 2A; plus strand), FBXL5 (F-box and leucine rich repeat protein 5; minus strand). Cytogenetic location: 4p15.32.
Variant type: single nucleotide variant.
Coding change: c.2025G>T on transcript NM_001378615.1 (MANE Select); coding-DNA position 2025, G replaced by T.
Protein change: p.Glu675Asp; replaces glutamic acid 675 with aspartic acid.
Molecular consequence: missense variant.
Genome position (GRCh38, 1-based): chr4:15,540,858, G>T. VCF-style: chr4-15540858-G-T. GRCh37 (hg19) VCF-style: chr4-15542481-G-T.
Other names: c.2025G>T, p.Glu675Asp (NM_001080522.2); c.1878G>T, p.Glu626Asp (NM_001378617.1); short protein forms E675D, E626D.
Identifiers: ClinVar variation 2096532 (VCV002096532.1), dbSNP rs756383263, ClinGen allele CA2863829.

ClinVar aggregate classification (germline): Uncertain significance (1 of 4 stars; one submission).

Conditions:
Joubert syndrome. Also called: JOUBERT-BOLTSHAUSER SYNDROME; Familial aplasia of the vermis. Identifiers: Orphanet 475, MedGen C5979921, MONDO:0018772.
Meckel-Gruber syndrome. Also called: DYSENCEPHALIA SPLANCHNOCYSTICA; GRUBER SYNDROME; Dysencephalia splachnocystica. Identifiers: Orphanet 564, MedGen C0265215, MONDO:0018921.

gnomAD v4.1: 5 of 1,600,868 alleles (0.00031%); highest among the groups gnomAD compares: East Asian, 0.0045%; no homozygotes.

Submission:

Labcorp Genetics (formerly Invitae), Labcorp
Classification: Uncertain significance for Joubert syndrome; Meckel-Gruber syndrome. Last evaluated: 2022-02-23. Review status: criteria provided, single submitter. Criteria: Invitae Variant Classification Sherloc (09022015). Collection method: clinical testing. Allele origin: germline.
Comment: This sequence change replaces glutamic acid, which is acidic and polar, with aspartic acid, which is acidic and polar, at codon 675 of the CC2D2A protein (p.Glu675Asp). The frequency data for this variant in the population databases is considered unreliable, as metrics indicate poor data quality at this position in the gnomAD database. This variant has not been reported in the literature in individuals affected with CC2D2A-related conditions. Advanced modeling of protein sequence and biophysical properties (such as structural, functional, and spatial information, amino acid conservation, physicochemical variation, residue mobility, and thermodynamic stability) performed at Invitae indicates that this missense variant is not expected to disrupt CC2D2A protein function. In summary, the available evidence is currently insufficient to determine the role of this variant in disease. Therefore, it has been classified as a Variant of Uncertain Significance.